The following is an entry in ClinVar:

ClinVar aggregate classification (germline): Uncertain significance (1 of 4 stars; one submission).

Conditions:
Colorectal cancer, hereditary nonpolyposis, type 7. Identifiers: Orphanet 144, MedGen C1858380, MONDO:0013725, OMIM 614385.

Submission:

Labcorp Genetics (formerly Invitae), Labcorp
Classification: Uncertain significance for Colorectal cancer, hereditary nonpolyposis, type 7. Last evaluated: 2024-10-09. Review status: criteria provided, single submitter. Criteria: Invitae Variant Classification Sherloc (09022015). Collection method: clinical testing. Allele origin: germline.
Comment: This sequence change replaces cysteine, which is neutral and slightly polar, with tyrosine, which is neutral and polar, at codon 1078 of the MLH3 protein (p.Cys1078Tyr). This variant is not present in population databases (gnomAD no frequency). This variant has not been reported in the literature in individuals affected with MLH3-related conditions. An algorithm developed to predict the effect of missense changes on protein structure and function (PolyPhen-2) suggests that this variant is likely to be disruptive. In summary, the available evidence is currently insufficient to determine the role of this variant in disease. Therefore, it has been classified as a Variant of Uncertain Significance.

NM_001040108.2(MLH3):c.3233G>A (p.Cys1078Tyr)

Gene: MLH3 (mutL homolog 3; minus strand). Cytogenetic location: 14q24.3.
Variant type: single nucleotide variant.
Coding change: c.3233G>A on transcript NM_001040108.2 (MANE Select); coding-DNA position 3233, G replaced by A.
Protein change: p.Cys1078Tyr; replaces cysteine 1078 with tyrosine.
Molecular consequence: missense variant.
Genome position (GRCh38, 1-based): chr14:75,046,423, C>T on the plus strand (G>A on the coding strand, the complement: MLH3 is on the minus strand). VCF-style: chr14-75046423-C-T. GRCh37 (hg19) VCF-style: chr14-75513126-C-T.
Other names: c.3233G>A, p.Cys1078Tyr (NM_014381.3); short protein forms C1078Y.
Identifiers: ClinVar variation 3706666 (VCV003706666.2).